The following is an entry in ClinVar:

ClinVar aggregate classification (germline): Uncertain significance (1 of 4 stars; one submission).

Conditions:
Familial sleep-related hypermotor epilepsy. Also called: Autosomal Dominant Sleep-Related Hypermotor (Hyperkinetic) Epilepsy. Identifiers: Orphanet 98784, MedGen C3696898, MONDO:0000030.

Allele frequency attached by ClinVar (database versions not stated): gnomAD exomes below 0.00001; gnomAD 0.00001; TOPMed 0.00001.
gnomAD v4.1: 5 of 1,614,000 alleles (0.00031%); highest among the groups gnomAD compares: South Asian, 0.0033%; no homozygotes.

Submission:

Labcorp Genetics (formerly Invitae), Labcorp
Classification: Uncertain significance for Familial sleep-related hypermotor epilepsy. Last evaluated: 2022-11-01. Review status: criteria provided, single submitter. Criteria: Invitae Variant Classification Sherloc (09022015). Collection method: clinical testing. Allele origin: germline.
Comment: Algorithms developed to predict the effect of missense changes on protein structure and function are either unavailable or do not agree on the potential impact of this missense change (SIFT: "Deleterious"; PolyPhen-2: "Probably Damaging"; Align-GVGD: "Class C0"). ClinVar contains an entry for this variant (Variation ID: 1433934). This variant has not been reported in the literature in individuals affected with PRIMA1-related conditions. This variant is not present in population databases (gnomAD no frequency). This sequence change replaces cysteine, which is neutral and slightly polar, with tyrosine, which is neutral and polar, at codon 114 of the PRIMA1 protein (p.Cys114Tyr). In summary, the available evidence is currently insufficient to determine the role of this variant in disease. Therefore, it has been classified as a Variant of Uncertain Significance.

NM_178013.4(PRIMA1):c.341G>A (p.Cys114Tyr)

Gene: PRIMA1 (proline rich membrane anchor 1; minus strand). Cytogenetic location: 14q32.12.
Variant type: single nucleotide variant.
Coding change: c.341G>A on transcript NM_178013.4 (MANE Select); coding-DNA position 341, G replaced by A.
Protein change: p.Cys114Tyr; replaces cysteine 114 with tyrosine.
Molecular consequence: missense variant.
Genome position (GRCh38, 1-based): chr14:93,737,259, C>T on the plus strand (G>A on the coding strand, the complement: PRIMA1 is on the minus strand). VCF-style: chr14-93737259-C-T. GRCh37 (hg19) VCF-style: chr14-94203605-C-T.
Other names: short protein forms C114Y.
Identifiers: ClinVar variation 1433934 (VCV001433934.6), dbSNP rs1244257411, ClinGen allele CA390820982.